The following is an entry in ClinVar:

ClinVar aggregate classification (germline): Uncertain significance (1 of 4 stars; one submission).

Conditions:
Charcot-Marie-Tooth disease type 2. Also called: Charcot-Marie-Tooth type 2. Identifiers: Orphanet 64746, MedGen C0270914, MONDO:0018993.

gnomAD v4.1: 1 of 1,614,132 alleles (0.000062%); no homozygotes.

Submission:

Labcorp Genetics (formerly Invitae), Labcorp
Classification: Uncertain significance for Charcot-Marie-Tooth disease type 2. Last evaluated: 2025-12-21. Review status: criteria provided, single submitter. Criteria: Invitae Variant Classification Sherloc (09022015). Collection method: clinical testing. Allele origin: germline.
Comment: This sequence change replaces serine, which is neutral and polar, with arginine, which is basic and polar, at codon 603 of the AARS protein (p.Ser603Arg). This variant is not present in population databases (gnomAD no frequency). This variant has not been reported in the literature in individuals affected with AARS-related conditions. Invitae Evidence Modeling of protein sequence and biophysical properties (such as structural, functional, and spatial information, amino acid conservation, physicochemical variation, residue mobility, and thermodynamic stability) indicates that this missense variant is not expected to disrupt AARS protein function with a negative predictive value of 95%. In summary, the available evidence is currently insufficient to determine the role of this variant in disease. Therefore, it has been classified as a Variant of Uncertain Significance.

NM_001605.3(AARS1):c.1807A>C (p.Ser603Arg)

Gene: AARS1 (alanyl-tRNA synthetase 1; minus strand). Cytogenetic location: 16q22.1.
Variant type: single nucleotide variant.
Coding change: c.1807A>C on transcript NM_001605.3 (MANE Select); coding-DNA position 1807, A replaced by C.
Protein change: p.Ser603Arg; replaces serine 603 with arginine.
Molecular consequence: missense variant.
Genome position (GRCh38, 1-based): chr16:70,259,165, T>G on the plus strand (A>C on the coding strand, the complement: AARS1 is on the minus strand). VCF-style: chr16-70259165-T-G. GRCh37 (hg19) VCF-style: chr16-70293068-T-G.
Other names: short protein forms S603R.
Identifiers: ClinVar variation 4740984 (VCV004740984.1).
Genomic context (GRCh38, chr16:70,259,165, plus strand): 5'-CAGCTTCCCCAAGCACTGAGCGCAGGGCGAAGTTCAGAATGTGCGTAGCTGTGTGGTTGC[T>G]CATGATGGGTCTTCGTCGGGGCTGGAAAGGGCAGAGGGGCTCATGGAGAGGTCTGTAATA-3'
Protein context (NP_001596.2, residues 593-613): IDEPRRRPIM[Ser603Arg]NHTATHILNF